The following is an entry in ClinVar:

NM_000057.4(BLM):c.799+1G>A

Gene: BLM (BLM RecQ like helicase; plus strand). Cytogenetic location: 15q26.1.
Variant type: single nucleotide variant.
Coding change: c.799+1G>A on transcript NM_000057.4 (MANE Select); the canonical splice donor site of the intron after coding-DNA position 799, G replaced by A.
Molecular consequence: splice donor variant.
Genome position (GRCh38, 1-based): chr15:90,750,068, G>A. VCF-style: chr15-90750068-G-A. GRCh37 (hg19) VCF-style: chr15-91293298-G-A.
Other names: c.799+1G>A (NM_001287246.2, NM_001287247.2); c.-493+1G>A (NM_001287248.2).
Identifiers: ClinVar variation 2894750 (VCV002894750.3), dbSNP rs1895641581, ClinGen allele CA393841592.

ClinVar aggregate classification (germline): Likely pathogenic (1 of 4 stars; one submission).

Conditions:
Bloom syndrome (BLM). Also called: Bloom-Torre-Machacek syndrome. Identifiers: Orphanet 125, MedGen C0005859, MONDO:0008876, OMIM 210900.

Submission:

Labcorp Genetics (formerly Invitae), Labcorp
Classification: Likely pathogenic for Bloom syndrome. Last evaluated: 2025-03-16. Review status: criteria provided, single submitter. Criteria: Invitae Variant Classification Sherloc (09022015). Collection method: clinical testing. Allele origin: germline.
Comment: This sequence change affects a donor splice site in intron 3 of the BLM gene. It is expected to disrupt RNA splicing. Variants that disrupt the donor or acceptor splice site typically lead to a loss of protein function (PMID: 16199547), and loss-of-function variants in BLM are known to be pathogenic (PMID: 17407155). This variant is not present in population databases (gnomAD no frequency). This variant has not been reported in the literature in individuals affected with BLM-related conditions. ClinVar contains an entry for this variant (Variation ID: 2894750). Algorithms developed to predict the effect of sequence changes on RNA splicing suggest that this variant may disrupt the consensus splice site. In summary, the currently available evidence indicates that the variant is pathogenic, but additional data are needed to prove that conclusively. Therefore, this variant has been classified as Likely Pathogenic.

Literature cited by the submitters: PubMed 16199547; PubMed 17407155.